The following is an entry in ClinVar:

NM_005618.4(DLL1):c.1583C>T (p.Ala528Val)

Gene: DLL1 (delta like canonical Notch ligand 1; minus strand). Cytogenetic location: 6q27.
Variant type: single nucleotide variant.
Coding change: c.1583C>T on transcript NM_005618.4 (MANE Select); coding-DNA position 1583, C replaced by T.
Protein change: p.Ala528Val; replaces alanine 528 with valine.
Molecular consequence: missense variant.
Genome position (GRCh38, 1-based): chr6:170,283,696, G>A on the plus strand (C>T on the coding strand, the complement: DLL1 is on the minus strand). VCF-style: chr6-170283696-G-A. GRCh37 (hg19) VCF-style: chr6-170592784-G-A.
Other names: c.1583C>T (NM_005618.3); short protein forms A528V.
Identifiers: ClinVar variation 4810517 (VCV004810517.2).

ClinVar aggregate classification (germline): Conflicting classifications of pathogenicity. Review status: criteria provided, conflicting classifications (1 of 4 stars). 2 submissions from 2 submitters: Uncertain significance (1); Likely benign (1). Last evaluated 2025-12-02.

Conditions:
DLL1-related disorder. Also called: DLL1-related condition.

gnomAD v4.1: 93 of 1,557,656 alleles (0.006%); highest among the groups gnomAD compares: East Asian, 0.11%; 1 homozygote.

Submissions (2):

PreventionGenetics, part of Exact Sciences
Classification: Likely benign for DLL1-related condition. Last evaluated: 2025-12-02. Review status: criteria provided, single submitter. Criteria: ACMG Guidelines, 2015. Collection method: clinical testing. Allele origin: germline.
Comment: This variant is classified as likely benign based on ACMG/AMP sequence variant interpretation guidelines (Richards et al. 2015 PMID: 25741868, with internal and published modifications).

Labcorp Genetics (formerly Invitae), Labcorp
Classification: Uncertain significance. Last evaluated: 2025-10-25. Review status: criteria provided, single submitter. Criteria: Invitae Variant Classification Sherloc (09022015). Collection method: clinical testing. Allele origin: germline.
Comment: This sequence change replaces alanine, which is neutral and non-polar, with valine, which is neutral and non-polar, at codon 528 of the DLL1 protein (p.Ala528Val). This variant is present in population databases (rs202240161, gnomAD 0.06%), and has an allele count higher than expected for a pathogenic variant. This variant has not been reported in the literature in individuals affected with DLL1-related conditions. An algorithm developed to predict the effect of missense changes on protein structure and function outputs the following: PolyPhen-2: "Benign". The valine amino acid residue is found in multiple mammalian species, which suggests that this missense change does not adversely affect protein function. In summary, the available evidence is currently insufficient to determine the role of this variant in disease. Therefore, it has been classified as a Variant of Uncertain Significance.